The following is an entry in ClinVar:

NM_005228.5(EGFR):c.850A>G (p.Lys284Glu)

Gene: EGFR (epidermal growth factor receptor; plus strand). Cytogenetic location: 7p11.2.
Variant type: single nucleotide variant.
Coding change: c.850A>G on transcript NM_005228.5 (MANE Select); coding-DNA position 850, A replaced by G.
Protein change: p.Lys284Glu; replaces lysine 284 with glutamic acid.
Molecular consequence: missense variant. On other transcripts: intron variant (1).
Genome position (GRCh38, 1-based): chr7:55,154,113, A>G. VCF-style: chr7-55154113-A-G. GRCh37 (hg19) VCF-style: chr7-55221806-A-G.
Other names: c.715A>G, p.Lys239Glu (NM_001346897.2, NM_001346899.2); c.850A>G, p.Lys284Glu (NM_001346898.2, NM_201282.2, NM_201283.2 and 1 more transcripts); c.691A>G, p.Lys231Glu (NM_001346900.2); c.89-1717A>G (NM_001346941.2); short protein forms K239E, K284E, K231E.
Identifiers: ClinVar variation 4826842 (VCV004826842.1).

ClinVar aggregate classification (germline): Uncertain significance (1 of 4 stars; one submission).

Conditions:
Hereditary cancer-predisposing syndrome. Also called: Neoplastic Syndromes, Hereditary; Tumor predisposition; Hereditary Cancer Syndrome; Hereditary neoplastic syndrome. Identifiers: Orphanet 140162, MedGen C0027672, MeSH D009386, MONDO:0015356.

Submission:

Ambry Genetics
Classification: Uncertain significance for Hereditary cancer-predisposing syndrome. Last evaluated: 2026-02-28. Review status: criteria provided, single submitter. Criteria: Ambry Variant Classification Scheme 2023. Collection method: clinical testing. Allele origin: germline.
Comment: The p.K284E variant (also known as c.850A>G), located in coding exon 7 of the EGFR gene, results from an A to G substitution at nucleotide position 850. The lysine at codon 284 is replaced by glutamic acid, an amino acid with similar properties. This amino acid position is conserved. In addition, this alteration is predicted to be deleterious by in silico analysis. Based on the available evidence, the clinical significance of this variant remains unclear.